The following is an entry in ClinVar:

ClinVar aggregate classification (germline): Uncertain significance (1 of 4 stars; one submission).

Conditions:
LAMA2-related muscular dystrophy (LAMA2-RD). Also called: Laminin alpha 2-related dystrophy. Identifiers: MedGen C5679788, MONDO:0100228.

Allele frequency attached by ClinVar (database versions not stated): gnomAD exomes 0.00001.
gnomAD v4.1: 5 of 1,611,580 alleles (0.00031%); highest among the groups gnomAD compares: Non-Finnish European, 0.00042%; no homozygotes.

Submission:

Labcorp Genetics (formerly Invitae), Labcorp
Classification: Uncertain significance for LAMA2-related muscular dystrophy. Last evaluated: 2022-04-12. Review status: criteria provided, single submitter. Criteria: Invitae Variant Classification Sherloc (09022015). Collection method: clinical testing. Allele origin: germline.
Comment: In summary, the available evidence is currently insufficient to determine the role of this variant in disease. Therefore, it has been classified as a Variant of Uncertain Significance. Algorithms developed to predict the effect of missense changes on protein structure and function are either unavailable or do not agree on the potential impact of this missense change (SIFT: "Tolerated"; PolyPhen-2: "Probably Damaging"; Align-GVGD: "Class C0"). This variant has not been reported in the literature in individuals affected with LAMA2-related conditions. This variant is not present in population databases (gnomAD no frequency). This sequence change replaces glycine, which is neutral and non-polar, with glutamic acid, which is acidic and polar, at codon 2455 of the LAMA2 protein (p.Gly2455Glu).

NM_000426.4(LAMA2):c.7364G>A (p.Gly2455Glu)

Gene: LAMA2 (laminin subunit alpha 2; plus strand). Cytogenetic location: 6q22.33.
Variant type: single nucleotide variant.
Coding change: c.7364G>A on transcript NM_000426.4 (MANE Select); coding-DNA position 7364, G replaced by A.
Protein change: p.Gly2455Glu; replaces glycine 2455 with glutamic acid.
Molecular consequence: missense variant.
Genome position (GRCh38, 1-based): chr6:129,473,277, G>A. VCF-style: chr6-129473277-G-A. GRCh37 (hg19) VCF-style: chr6-129794422-G-A.
Other names: c.7364G>A, p.Gly2455Glu (NM_001079823.2); short protein forms G2455E.
Identifiers: ClinVar variation 2169926 (VCV002169926.4), dbSNP rs2533459654, ClinGen allele CA365624311.